The following is an entry in ClinVar:

NM_001267550.2(TTN):c.56636G>A (p.Arg18879Lys)

Genes: TTN (titin; minus strand), TTN-AS1 (TTN antisense RNA 1; plus strand). Cytogenetic location: 2q31.2.
Variant type: single nucleotide variant.
Coding change: c.56636G>A on transcript NM_001267550.2 (MANE Select); coding-DNA position 56636, G replaced by A.
Protein change: p.Arg18879Lys; replaces arginine 18879 with lysine.
Molecular consequence: missense variant.
Genome position (GRCh38, 1-based): chr2:178,599,157, C>T on the plus strand (G>A on the coding strand, the complement: TTN is on the minus strand). VCF-style: chr2-178599157-C-T. GRCh37 (hg19) VCF-style: chr2-179463884-C-T.
Other names: c.51713G>A, p.Arg17238Lys (NM_001256850.1); c.29441G>A, p.Arg9814Lys (NM_003319.4); c.48932G>A, p.Arg16311Lys (NM_133378.4); c.29816G>A, p.Arg9939Lys (NM_133432.3); c.30017G>A, p.Arg10006Lys (NM_133437.4); short protein forms R10006K, R16311K, R17238K, R18879K, R9814K, R9939K.
Identifiers: ClinVar variation 3360512 (VCV003360512.1).

ClinVar aggregate classification (germline): Uncertain significance (1 of 4 stars; one submission).

Submission:

GeneDx
Classification: Uncertain significance. Last evaluated: 2023-07-05. Review status: criteria provided, single submitter. Criteria: GeneDx Variant Classification Process June 2021. Collection method: clinical testing. Allele origin: germline. Affected: yes.
Comment: Not observed at significant frequency in large population cohorts (gnomAD); Missense variant in a gene in which most reported pathogenic variants are truncating/loss of function; Has not been previously published as pathogenic or benign to our knowledge